The following is an entry in ClinVar:

NM_145290.4(ADGRA3):c.53C>A (p.Pro18Gln)

Gene: ADGRA3 (adhesion G protein-coupled receptor A3; minus strand). Cytogenetic location: 4p15.2.
Variant type: single nucleotide variant.
Coding change: c.53C>A on transcript NM_145290.4 (MANE Select); coding-DNA position 53, C replaced by A.
Protein change: p.Pro18Gln; replaces proline 18 with glutamine.
Molecular consequence: missense variant.
Genome position (GRCh38, 1-based): chr4:22,515,732, G>T on the plus strand (C>A on the coding strand, the complement: ADGRA3 is on the minus strand). VCF-style: chr4-22515732-G-T. GRCh37 (hg19) VCF-style: chr4-22517355-G-T.
Other names: short protein forms P18Q.
Identifiers: ClinVar variation 3694602 (VCV003694602.2).

ClinVar aggregate classification (germline): Uncertain significance (1 of 4 stars; one submission).

gnomAD v4.1: 1 of 1,047,032 alleles (0.000096%); no homozygotes.

Submission:

Labcorp Genetics (formerly Invitae), Labcorp
Classification: Uncertain significance. Last evaluated: 2024-10-02. Review status: criteria provided, single submitter. Criteria: Invitae Variant Classification Sherloc (09022015). Collection method: clinical testing. Allele origin: germline.
Comment: This sequence change replaces proline, which is neutral and non-polar, with glutamine, which is neutral and polar, at codon 18 of the ADGRA3 protein (p.Pro18Gln). The frequency data for this variant in the population databases is considered unreliable, as metrics indicate insufficient coverage at this position in the gnomAD database. This variant has not been reported in the literature in individuals affected with ADGRA3-related conditions. An algorithm developed to predict the effect of missense changes on protein structure and function outputs the following: PolyPhen-2: "Not Available". The glutamine amino acid residue is found in multiple mammalian species, which suggests that this missense change does not adversely affect protein function. In summary, the available evidence is currently insufficient to determine the role of this variant in disease. Therefore, it has been classified as a Variant of Uncertain Significance.